The following is an entry in ClinVar:

ClinVar aggregate classification (germline): Uncertain significance (1 of 4 stars; one submission).

Conditions:
Congenital contractural arachnodactyly (CCA). Also called: Beals-Hecht syndrome; BEALS SYNDROME; Arthrogryposis, distal, type 9. Identifiers: Orphanet 115, MedGen C0220668, MONDO:0007363, OMIM 121050.

Allele frequency attached by ClinVar (database versions not stated): gnomAD exomes below 0.00001; TOPMed below 0.00001.
gnomAD v4.1: 5 of 1,614,140 alleles (0.00031%); highest among the groups gnomAD compares: Non-Finnish European, 0.00042%; no homozygotes.

Submission:

Labcorp Genetics (formerly Invitae), Labcorp
Classification: Uncertain significance for Congenital contractural arachnodactyly. Last evaluated: 2022-11-26. Review status: criteria provided, single submitter. Criteria: Invitae Variant Classification Sherloc (09022015). Collection method: clinical testing. Allele origin: germline.
Comment: Algorithms developed to predict the effect of sequence changes on RNA splicing suggest that this variant may create or strengthen a splice site. In summary, the available evidence is currently insufficient to determine the role of this variant in disease. Therefore, it has been classified as a Variant of Uncertain Significance. Advanced modeling of protein sequence and biophysical properties (such as structural, functional, and spatial information, amino acid conservation, physicochemical variation, residue mobility, and thermodynamic stability) performed at Invitae indicates that this missense variant is not expected to disrupt FBN2 protein function. This variant has not been reported in the literature in individuals affected with FBN2-related conditions. This variant is present in population databases (no rsID available, gnomAD 0.0009%). This sequence change replaces leucine, which is neutral and non-polar, with valine, which is neutral and non-polar, at codon 937 of the FBN2 protein (p.Leu937Val).

NM_001999.4(FBN2):c.2809C>G (p.Leu937Val)

Gene: FBN2 (fibrillin 2; minus strand). Cytogenetic location: 5q23.3.
Variant type: single nucleotide variant.
Coding change: c.2809C>G on transcript NM_001999.4 (MANE Select); coding-DNA position 2809, C replaced by G.
Protein change: p.Leu937Val; replaces leucine 937 with valine.
Molecular consequence: missense variant.
Genome position (GRCh38, 1-based): chr5:128,350,871, G>C on the plus strand (C>G on the coding strand, the complement: FBN2 is on the minus strand). VCF-style: chr5-128350871-G-C. GRCh37 (hg19) VCF-style: chr5-127686563-G-C.
Other names: short protein forms L937V.
Identifiers: ClinVar variation 2816837 (VCV002816837.3), dbSNP rs1362161515, ClinGen allele CA360766064.